The following is an entry in ClinVar:

NM_031475.3(ESPN):c.413G>T (p.Gly138Val)

Gene: ESPN (espin; plus strand). Cytogenetic location: 1p36.31.
Variant type: single nucleotide variant.
Coding change: c.413G>T on transcript NM_031475.3 (MANE Select); coding-DNA position 413, G replaced by T.
Protein change: p.Gly138Val; replaces glycine 138 with valine.
Molecular consequence: missense variant.
Genome position (GRCh38, 1-based): chr1:6,428,344, G>T. VCF-style: chr1-6428344-G-T. GRCh37 (hg19) VCF-style: chr1-6488404-G-T.
Other names: c.413G>T, p.Gly138Val (NM_001367473.1, NM_001367474.1); c.413G>T (NM_031475.2); short protein forms G138V.
Identifiers: ClinVar variation 1505720 (VCV001505720.9), dbSNP rs140382925, ClinGen allele CA559885.
Genomic context (GRCh38, chr1:6,428,344, plus strand): 5'-AGGTGGTGAACTGGCTCTTGCATCATGGCGGTGGGGACCCCACCGCGGCCACAGACATGG[G>T]CGCCCTGCCTATCCACTACGCTGCCGCCAAAGGAGACTTCCCCTCCCTGAGGCTTCTCGT-3'
Protein context (NP_113663.2, residues 128-148): GGDPTAATDM[Gly138Val]ALPIHYAAAK

ClinVar aggregate classification (germline): Uncertain significance. Review status: criteria provided, multiple submitters, no conflicts (2 of 4 stars). 4 submissions from 4 submitters: Uncertain significance (4). Last evaluated 2026-08-12.

Conditions:
Inborn genetic diseases. Identifiers: MedGen C0950123, MeSH D030342.

Allele frequency attached by ClinVar (database versions not stated): ExAC 0.00007; gnomAD 0.00007 and 0.00008; ESP Exome Variant Server 0.00008; gnomAD exomes 0.00008; TOPMed 0.00012.

Submissions (4):

GeneDx
Classification: Uncertain significance. Last evaluated: 2026-08-12. Review status: criteria provided, single submitter. Criteria: GeneDx Variant Classification Process June 2021. Collection method: clinical testing. Allele origin: germline.
Comment: In silico analysis supports that this missense variant has a deleterious effect on protein structure/function; Has not been previously published as pathogenic or benign to our knowledge

Ambry Genetics
Classification: Uncertain significance for Inborn genetic diseases. Last evaluated: 2024-12-16. Review status: criteria provided, single submitter. Criteria: Ambry Variant Classification Scheme 2023. Collection method: clinical testing. Allele origin: germline.

Blueprint Genetics
Classification: Uncertain significance. Last evaluated: 2024-09-12. Review status: criteria provided, single submitter. Criteria: ACMG Guidelines, 2015. Collection method: clinical testing. Allele origin: germline.

Labcorp Genetics (formerly Invitae), Labcorp
Classification: Uncertain significance. Last evaluated: 2021-08-31. Review status: criteria provided, single submitter. Criteria: Invitae Variant Classification Sherloc (09022015). Collection method: clinical testing. Allele origin: germline.
Comment: This sequence change replaces glycine with valine at codon 138 of the ESPN protein (p.Gly138Val). The glycine residue is highly conserved and there is a moderate physicochemical difference between glycine and valine. This variant is present in population databases (rs140382925, ExAC 0.01%). This variant has not been reported in the literature in individuals affected with ESPN-related conditions. Algorithms developed to predict the effect of missense changes on protein structure and function are either unavailable or do not agree on the potential impact of this missense change (SIFT: "Deleterious"; PolyPhen-2: "Probably Damaging"; Align-GVGD: "Class C0"). In summary, the available evidence is currently insufficient to determine the role of this variant in disease. Therefore, it has been classified as a Variant of Uncertain Significance.